The following is an entry in ClinVar:

ClinVar aggregate classification (germline): Uncertain significance. Review status: criteria provided, multiple submitters, no conflicts (2 of 4 stars). 2 submissions from 2 submitters: Uncertain significance (2). Last evaluated 2025-03-12.

Conditions:
POLD1-related polyposis and colorectal cancer syndrome (CRCS10). Also called: Colorectal cancer 10; COLORECTAL CANCER, SUSCEPTIBILITY TO, ON CHROMOSOME 19q; Colorectal cancer, susceptibility to, 10. Identifiers: Orphanet 220460, MedGen C2675481, MONDO:0012953, OMIM 612591.
Hereditary cancer-predisposing syndrome. Also called: Neoplastic Syndromes, Hereditary; Hereditary neoplastic syndrome; Tumor predisposition; Hereditary Cancer Syndrome. Identifiers: Orphanet 140162, MedGen C0027672, MeSH D009386, MONDO:0015356.

Allele frequency attached by ClinVar (database versions not stated): TOPMed 0.00001.
gnomAD v4.1: 2 of 1,602,466 alleles (0.00012%); highest among the groups gnomAD compares: South Asian, 0.0022%; no homozygotes.

Submissions (2):

Ambry Genetics
Classification: Uncertain significance for Hereditary cancer-predisposing syndrome. Last evaluated: 2025-03-12. Review status: criteria provided, single submitter. Criteria: Ambry Variant Classification Scheme 2023. Collection method: clinical testing. Allele origin: germline.
Comment: The c.2250+4G>C intronic variant results from a G to C substitution 4 nucleotides after coding exon 17 in the POLD1 gene. This nucleotide position is poorly conserved in available vertebrate species. In silico splice site analysis predicts that this alteration will not have any significant effect on splicing. Based on the available evidence, the clinical significance of this variant remains unclear.

Labcorp Genetics (formerly Invitae), Labcorp
Classification: Uncertain significance for POLD1-related polyposis and colorectal cancer syndrome. Last evaluated: 2025-01-16. Review status: criteria provided, single submitter. Criteria: Invitae Variant Classification Sherloc (09022015). Collection method: clinical testing. Allele origin: germline.
Comment: This sequence change falls in intron 18 of the POLD1 gene. It does not directly change the encoded amino acid sequence of the POLD1 protein. It affects a nucleotide within the consensus splice site. This variant is present in population databases (no rsID available, gnomAD 0.003%). This variant has not been reported in the literature in individuals affected with POLD1-related conditions. ClinVar contains an entry for this variant (Variation ID: 469246). Variants that disrupt the consensus splice site are a relatively common cause of aberrant splicing (PMID: 17576681, 9536098). Algorithms developed to predict the effect of sequence changes on RNA splicing suggest that this variant is not likely to affect RNA splicing. In summary, the available evidence is currently insufficient to determine the role of this variant in disease. Therefore, it has been classified as a Variant of Uncertain Significance.

Literature cited by the submitters: PubMed 17576681 (cited by Labcorp Genetics (formerly Invitae), Labcorp); PubMed 9536098 (cited by Labcorp Genetics (formerly Invitae), Labcorp).

NM_002691.4(POLD1):c.2250+4G>C

Gene: POLD1 (DNA polymerase delta 1, catalytic subunit; plus strand). Cytogenetic location: 19q13.33.
Variant type: single nucleotide variant.
Coding change: c.2250+4G>C on transcript NM_002691.4 (MANE Select); 4 bases into the intron after coding-DNA position 2250, G replaced by C.
Molecular consequence: intron variant.
Genome position (GRCh38, 1-based): chr19:50,413,525, G>C. VCF-style: chr19-50413525-G-C. GRCh37 (hg19) VCF-style: chr19-50916782-G-C.
Other names: c.2328+4G>C (LRG_785t2, NM_001308632.1); c.2250+4G>C (LRG_785t1, NM_001256849.1, NM_002691.2).
Identifiers: ClinVar variation 469246 (VCV000469246.7), dbSNP rs370478977, ClinGen allele CA633897586.